The following is an entry in ClinVar:

ClinVar aggregate classification (germline): Benign. Review status: criteria provided, multiple submitters, no conflicts (2 of 4 stars). 12 submissions from 12 submitters: Benign (7). 5 of the submissions do not count toward it. Last evaluated 2026-02-04.

Conditions:
Cardiovascular phenotype. Identifiers: MedGen CN230736.
Alstrom syndrome (ALMS). Identifiers: Orphanet 64, MedGen C0268425, MONDO:0008763, OMIM 203800.

Allele frequency attached by ClinVar (database versions not stated): gnomAD 0.54502 and 0.55416; TOPMed 0.54633; 1000 Genomes Project 30x 0.57745; 1000 Genomes Project 0.58227; gnomAD exomes 0.63261 and 0.64075; ExAC 0.63338; ESP Exome Variant Server 0.53661.
gnomAD v4.1: 1,009,428 of 1,613,740 alleles (63%); highest among the groups gnomAD compares: East Asian, 74%; 320,677 homozygotes.

Submissions (12):

Labcorp Genetics (formerly Invitae), Labcorp
Classification: Benign for Alstrom syndrome. Last evaluated: 2026-02-04. Review status: criteria provided, single submitter. Criteria: Invitae Variant Classification Sherloc (09022015). Collection method: clinical testing. Allele origin: germline.

Blueprint Genetics
Classification: Benign. Last evaluated: 2024-11-26. Review status: criteria provided, single submitter. Criteria: ACMG Guidelines, 2015. Collection method: clinical testing. Allele origin: germline.

Genome-Nilou Lab
Classification: Benign for Alstrom syndrome. Last evaluated: 2021-07-14. Review status: criteria provided, single submitter. Criteria: ACMG Guidelines, 2015. Collection method: clinical testing. Allele origin: germline. Affected: no.

Ambry Genetics
Classification: Benign for Cardiovascular phenotype. Last evaluated: 2018-12-21. Review status: criteria provided, single submitter. Criteria: Ambry Variant Classification Scheme 2023. Collection method: clinical testing. Allele origin: germline.

GeneDx
Classification: Benign. Last evaluated: 2016-09-09. Review status: criteria provided, single submitter. Criteria: GeneDx Variant Classification (06012015). Collection method: clinical testing. Allele origin: germline. Affected: yes.
Comment: This variant is considered likely benign or benign based on one or more of the following criteria: it is a conservative change, it occurs at a poorly conserved position in the protein, it is predicted to be benign by multiple in silico algorithms, and/or has population frequency not consistent with disease.

Laboratory for Molecular Medicine, Mass General Brigham Personalized Medicine
Classification: Benign. Last evaluated: 2016-03-21. Review status: criteria provided, single submitter. Criteria: LMM Criteria. Collection method: clinical testing. Allele origin: germline. Observed: 242 variant alleles.
Comment: p.Arg4029Lys in exon 19 of ALMS1: This variant is not expected to have clinical significance because it has been identified in 75.39% (6458/8566) of East Asian chromosomes by the Exome Aggregation Consortium (ExAC; dbSNP rs1052161).

Breakthrough Genomics
Classification: Benign. Review status: criteria provided, single submitter. Criteria: ACMG Guidelines, 2015. Collection method: not provided. Allele origin: germline. Inheritance: Autosomal recessive inheritance. Affected: yes.

Natera, Inc.
Classification: Benign for Alstrom syndrome. Last evaluated: 2020-09-16. Review status: no assertion criteria provided. Collection method: clinical testing. Allele origin: germline. Not counted in ClinVar's aggregate classification.

Clinical Genetics, Academic Medical Center
Classification: Benign. Review status: no assertion criteria provided. Collection method: clinical testing. Allele origin: germline. Affected: yes. Study: VKGL Data-share Consensus. Not counted in ClinVar's aggregate classification.

Diagnostic Laboratory, Department of Genetics, University Medical Center Groningen
Classification: Benign. Review status: no assertion criteria provided. Collection method: clinical testing. Allele origin: germline. Affected: yes. Study: VKGL Data-share Consensus. Not counted in ClinVar's aggregate classification.

Genome Diagnostics Laboratory, University Medical Center Utrecht
Classification: Benign. Review status: no assertion criteria provided. Collection method: clinical testing. Allele origin: germline. Affected: yes. Study: VKGL Data-share Consensus. Not counted in ClinVar's aggregate classification.

Joint Genome Diagnostic Labs from Nijmegen and Maastricht, Radboudumc and MUMC+
Classification: Benign. Review status: no assertion criteria provided. Collection method: clinical testing. Allele origin: germline. Affected: yes. Study: VKGL Data-share Consensus. Not counted in ClinVar's aggregate classification.

NM_001378454.1(ALMS1):c.12089G>A (p.Arg4030Lys)

Genes: ALMS1 (ALMS1 centrosome and basal body associated protein; plus strand), LOC126806252 (BRD4-independent group 4 enhancer GRCh37_chr2:73828496-73829695; plus strand). Cytogenetic location: 2p13.1.
Variant type: single nucleotide variant.
Coding change: c.12089G>A on transcript NM_001378454.1 (MANE Select); coding-DNA position 12089, G replaced by A.
Protein change: p.Arg4030Lys; replaces arginine 4030 with lysine.
Molecular consequence: missense variant.
Genome position (GRCh38, 1-based): chr2:73,601,411, G>A. VCF-style: chr2-73601411-G-A. GRCh37 (hg19) VCF-style: chr2-73828538-G-A.
Other names: c.12092G>A, p.Arg4031Lys (NM_015120.4); short protein forms R4031K, R4030K.
Identifiers: ClinVar variation 383764 (VCV000383764.30), dbSNP rs1052161, ClinGen allele CA1715420.